The following is an entry in ClinVar:

NM_000069.3(CACNA1S):c.4308G>T (p.Gly1436=)

Gene: CACNA1S (calcium voltage-gated channel subunit alpha1 S; minus strand). Cytogenetic location: 1q32.1.
Variant type: single nucleotide variant.
Coding change: c.4308G>T on transcript NM_000069.3 (MANE Select); coding-DNA position 4308, G replaced by T.
Protein change: p.Gly1436=; no amino-acid change (glycine 1436 retained).
Molecular consequence: synonymous variant.
Genome position (GRCh38, 1-based): chr1:201,049,033, C>A on the plus strand (G>T on the coding strand, the complement: CACNA1S is on the minus strand). VCF-style: chr1-201049033-C-A. GRCh37 (hg19) VCF-style: chr1-201018161-C-A.
Identifiers: ClinVar variation 850200 (VCV000850200.10), dbSNP rs758009532, ClinGen allele CA422718865.
Genomic context (GRCh38, chr1:201,049,033, plus strand): 5'-GGGCCACCCATCCCTGGCAGCTCTGGTTACCTTACAAGCTACCCGATGTGGGCAGAACTT[C>A]CCAAAGCCCAGAGGGGGCTGAATCCTTCTCAGCAGGGTCACCACGTCCAGGTGTTTGATT-3'
Protein context (NP_000060.2, residues 1426-1446): LRRIQPPLGF[Gly1436=]KFCPHRVACK

ClinVar aggregate classification (germline): Uncertain significance (1 of 4 stars; one submission).

Conditions:
Hypokalemic periodic paralysis, type 1. Also called: Hypokalemic Periodic Paralysis Type 1 (AD); HypoPP. Identifiers: Orphanet 681, MedGen C3714580, MONDO:0042979, OMIM 170400.
Malignant hyperthermia, susceptibility to, 5 (MHS5). Also called: CACNA1S-Related Malignant Hyperthermia Susceptibility. Identifiers: Orphanet 423, MedGen C1866077, MONDO:0011163, OMIM 601887.

gnomAD v4.1: 1 of 1,613,938 alleles (0.000062%); highest among the groups gnomAD compares: Non-Finnish European, 0.000085%; no homozygotes.

Submission:

Labcorp Genetics (formerly Invitae), Labcorp
Classification: Uncertain significance for Hypokalemic periodic paralysis, type 1; Malignant hyperthermia, susceptibility to, 5. Last evaluated: 2022-08-09. Review status: criteria provided, single submitter. Criteria: Invitae Variant Classification Sherloc (09022015). Collection method: clinical testing. Allele origin: germline.
Comment: This sequence change affects codon 1436 of the CACNA1S mRNA. It is a 'silent' change, meaning that it does not change the encoded amino acid sequence of the CACNA1S protein. This variant is not present in population databases (gnomAD no frequency). This variant has not been reported in the literature in individuals affected with CACNA1S-related conditions. ClinVar contains an entry for this variant (Variation ID: 850200). In summary, the available evidence is currently insufficient to determine the role of this variant in disease. Therefore, it has been classified as a Variant of Uncertain Significance. Algorithms developed to predict the effect of sequence changes on RNA splicing suggest that this variant may disrupt the consensus splice site.